The following is an entry in ClinVar:

NM_016599.5(MYOZ2):c.20T>C (p.Met7Thr)

Gene: MYOZ2 (myozenin 2; plus strand). Cytogenetic location: 4q26.
Variant type: single nucleotide variant.
Coding change: c.20T>C on transcript NM_016599.5 (MANE Select); coding-DNA position 20, T replaced by C.
Protein change: p.Met7Thr; replaces methionine 7 with threonine.
Molecular consequence: missense variant.
Genome position (GRCh38, 1-based): chr4:119,136,545, T>C. VCF-style: chr4-119136545-T-C. GRCh37 (hg19) VCF-style: chr4-120057700-T-C.
Other names: short protein forms M7T.
Identifiers: ClinVar variation 1785894 (VCV001785894.2), dbSNP rs974668391, ClinGen allele CA104969012.

ClinVar aggregate classification (germline): Uncertain significance (1 of 4 stars; one submission).

Conditions:
Cardiovascular phenotype. Identifiers: MedGen CN230736.

Allele frequency attached by ClinVar (database versions not stated): gnomAD exomes below 0.00001; gnomAD 0.00001; TOPMed 0.00001.
gnomAD v4.1: 3 of 1,613,522 alleles (0.00019%); highest among the groups gnomAD compares: African/African-American, 0.0027%; no homozygotes.

Submission:

Ambry Genetics
Classification: Uncertain significance for Cardiovascular phenotype. Last evaluated: 2020-12-29. Review status: criteria provided, single submitter. Criteria: Ambry Variant Classification Scheme 2023. Collection method: clinical testing. Allele origin: germline.
Comment: The p.M7T variant (also known as c.20T>C), located in coding exon 1 of the MYOZ2 gene, results from a T to C substitution at nucleotide position 20. The methionine at codon 7 is replaced by threonine, an amino acid with similar properties. This amino acid position is not well conserved in available vertebrate species. In addition, this alteration is predicted to be tolerated by in silico analysis. Since supporting evidence is limited at this time, the clinical significance of this alteration remains unclear.